The following is an entry in ClinVar:

NM_153717.3(EVC):c.817_819delinsTTTC (p.Glu273fs)

Gene: EVC (EvC ciliary complex subunit 1; plus strand). Cytogenetic location: 4p16.2.
Variant type: Indel.
Coding change: c.817_819delinsTTTC on transcript NM_153717.3 (MANE Select); coding-DNA positions 817 to 819, GAA replaced by TTTC.
Protein change: p.Glu273fs; shifts the reading frame from glutamic acid 273.
Molecular consequence: frameshift variant.
Genome position (GRCh38, 1-based): chr4:5,745,219-5,745,221, GAA replaced by TTTC. VCF-style: chr4-5745219-GAA-TTTC. GRCh37 (hg19) VCF-style: chr4-5746946-GAA-TTTC.
Other names: c.817_819delinsTTTC, p.Glu273fs (NM_001306090.2, NM_001306092.2); short protein forms E273fs.
Identifiers: ClinVar variation 5013137 (VCV005013137.1).
Genomic context (GRCh38, chr4:5,745,219, plus strand): 5'-CTTTTTCTTTGTTTATTTGCTTTCTTTTTTCTTCTTCTTCTTCAGGATTTGGAGGAACTA[GAA>TTTC]AAGGGACTTCAGGTCAAACTGTCAAACACAGAAATGTCGGGGGCTGGTGACTCTGAGTAC-3'

ClinVar aggregate classification (germline): Pathogenic (1 of 4 stars; one submission).

Conditions:
Ellis-van Creveld syndrome (EVC). Also called: MESOECTODERMAL DYSPLASIA; Chondroectodermal dysplasia. Identifiers: Orphanet 289, MedGen C0013903, MONDO:0009162, OMIM 225500.

Submission:

Myriad Genetics, Inc.
Classification: Pathogenic for Ellis-van Creveld syndrome. Last evaluated: 2024-06-02. Review status: criteria provided, single submitter. Criteria: Myriad Autosomal Dominant, Autosomal Recessive and X-Linked Classification Criteria (2023). Collection method: clinical testing. Allele origin: unknown.
Comment: NM_153717.2(EVC):c.817_819delGAAinsTTTC(E273Ffs*18) is expected to be pathogenic in the context of EVC-related Ellis-van Creveld syndrome. This variant is predicted to lead to an abnormal or absent protein product due to the creation of a premature termination codon in EVC, a gene where loss-of-function variants are known to be pathogenic. Please note: this variant was assessed in the context of healthy population screening.